The following is an entry in ClinVar:

NM_007294.4(BRCA1):c.1505T>C (p.Leu502Ser)

Gene: BRCA1 (BRCA1 DNA repair associated; minus strand). Cytogenetic location: 17q21.31.
Variant type: single nucleotide variant.
Coding change: c.1505T>C on transcript NM_007294.4 (MANE Select); coding-DNA position 1505, T replaced by C.
Protein change: p.Leu502Ser; replaces leucine 502 with serine.
Molecular consequence: missense variant. On other transcripts: intron variant (137).
Genome position (GRCh38, 1-based): chr17:43,094,026, A>G on the plus strand (T>C on the coding strand, the complement: BRCA1 is on the minus strand). VCF-style: chr17-43094026-A-G. GRCh37 (hg19) VCF-style: chr17-41246043-A-G.
Other names: c.1364T>C, p.Leu455Ser (NM_007297.4, NM_001407692.1, NM_001407694.1 and 29 more transcripts); c.1505T>C, p.Leu502Ser (NM_007300.4, NM_001407581.1, NM_001407582.1 and 30 more transcripts); c.646+718T>C (NM_001408458.1, NM_001408469.1, NM_001408453.1 and 11 more transcripts); c.283+718T>C (NM_001408512.1); c.406+718T>C (NM_001408510.1); c.643+718T>C (NM_001408470.1, NM_001408464.1, NM_001408468.1 and 3 more transcripts); c.784+718T>C (NM_001408397.1, NM_001408401.1, NM_001408396.1 and 13 more transcripts); c.664+718T>C (NM_001408436.1, NM_001408430.1, NM_001408444.1 and 12 more transcripts); and 40 more; short protein forms L502S, L455S, L432S, L434S, L499S, L501S, L390S, L413S.
Identifiers: ClinVar variation 819410 (VCV000819410.7), dbSNP rs886039957, ClinGen allele CA10599034.

ClinVar aggregate classification (germline): Conflicting classifications of pathogenicity. Review status: criteria provided, conflicting classifications (1 of 4 stars). 2 submissions from 2 submitters: Uncertain significance (1); Likely benign (1). Last evaluated 2023-03-23.

Conditions:
Hereditary cancer-predisposing syndrome. Also called: Tumor predisposition; Hereditary neoplastic syndrome; Neoplastic Syndromes, Hereditary; Hereditary Cancer Syndrome. Identifiers: Orphanet 140162, MedGen C0027672, MeSH D009386, MONDO:0015356.

Submissions (2):

University of Washington Department of Laboratory Medicine, University of Washington
Classification: Likely benign for Hereditary cancer-predisposing syndrome. Last evaluated: 2023-03-23. Review status: criteria provided, single submitter. Criteria: Dines et al. (Genet Med. 2020). Collection method: curation. Allele origin: germline.
Comment: Missense variant in a coldspot region where missense variants are very unlikely to be pathogenic (PMID:31911673).

BRCA1 coldspot (exon 11 using historical exon numbering). Reclassification based on statistical prior probability

Ambry Genetics
Classification: Uncertain significance for Hereditary cancer-predisposing syndrome. Last evaluated: 2018-11-06. Review status: criteria provided, single submitter. Criteria: Ambry Variant Classification Scheme 2023. Collection method: clinical testing. Allele origin: germline.
Comment: The p.L502S variant (also known as c.1505T>C), located in coding exon 9 of the BRCA1 gene, results from a T to C substitution at nucleotide position 1505. The leucine at codon 502 is replaced by serine, an amino acid with dissimilar properties. This amino acid position is well conserved in available vertebrate species. In addition, this alteration is predicted to be deleterious by in silico analysis. Since supporting evidence is limited at this time, the clinical significance of this alteration remains unclear.